The following is an entry in ClinVar:

NM_006361.6(HOXB13):c.601_601+3dup

Gene: HOXB13 (homeobox B13; minus strand). Cytogenetic location: 17q21.32.
Variant type: Duplication.
Coding change: c.601_601+3dup on transcript NM_006361.6 (MANE Select); coding-DNA position 601 through 3 bases into the intron after coding-DNA position 601, 4 bases duplicated (GGTA; older notation c.601_601+3dupGGTA).
Molecular consequence: splice donor variant.
Genome position (GRCh38, 1-based): chr17:48,727,990-48,727,993, TACC duplicated on the plus strand (GGTA on the coding strand, the reverse complement: HOXB13 is on the minus strand); duplicating any 4 consecutive bases within chr17:48,727,990-48,727,994 gives the same sequence; the c. name uses the placement nearest the transcript's 3' end. VCF-style (leftmost placement, unchanged base first): chr17-48727989-G-GTACC. GRCh37 (hg19) VCF-style: chr17-46805351-G-GTACC.
Identifiers: ClinVar variation 4271769 (VCV004271769.1).
Genomic context (GRCh38, chr17:48,727,989, plus strand): 5'-GAAATGCCATTGGGACCCACAACCCCAGGCTCAGAGACAAGGGGACCCAGGGTAATAGAG[G>GTACC]TACCTGCAAATGCTGCCTTCCAAAAGGGACCTGGTGGGTTCTGTTCTCCCTGGCAACACA-3'

ClinVar aggregate classification (germline): Uncertain significance (1 of 4 stars; one submission).

Conditions:
Hereditary cancer-predisposing syndrome. Also called: Hereditary Cancer Syndrome; Hereditary neoplastic syndrome; Neoplastic Syndromes, Hereditary; Tumor predisposition. Identifiers: Orphanet 140162, MedGen C0027672, MeSH D009386, MONDO:0015356.

Submission:

Ambry Genetics
Classification: Uncertain significance for Hereditary cancer-predisposing syndrome. Last evaluated: 2025-07-14. Review status: criteria provided, single submitter. Criteria: Ambry Variant Classification Scheme 2023. Collection method: clinical testing. Allele origin: germline.
Comment: The c.601_601+3dupGGTA variant results from a duplication of 4 nucleotides between positions c.601 and c.601+3 and involves the canonical splice donor site after coding exon 1 of the HOXB13 gene. In silico splice site analysis predicts that this alteration will not have any significant effect on splicing; however, the exact impact of this duplication on HOXB13 splicing and function is currently unknown. The canonical splice donor site is highly conserved in available vertebrate species. Based on the available evidence, the clinical significance of this variant remains unclear.